The following is an entry in ClinVar:

NM_198271.5(LMOD3):c.1294G>A (p.Glu432Lys)

Gene: LMOD3 (leiomodin 3; minus strand). Cytogenetic location: 3p14.1.
Variant type: single nucleotide variant.
Coding change: c.1294G>A on transcript NM_198271.5 (MANE Select); coding-DNA position 1294, G replaced by A.
Protein change: p.Glu432Lys; replaces glutamic acid 432 with lysine.
Molecular consequence: missense variant.
Genome position (GRCh38, 1-based): chr3:69,119,061, C>T on the plus strand (G>A on the coding strand, the complement: LMOD3 is on the minus strand). VCF-style: chr3-69119061-C-T. GRCh37 (hg19) VCF-style: chr3-69168212-C-T.
Other names: c.1294G>A, p.Glu432Lys (NM_001304418.3); short protein forms E432K.
Identifiers: ClinVar variation 1398149 (VCV001398149.8), dbSNP rs1239339268, ClinGen allele CA353471616.

ClinVar aggregate classification (germline): Uncertain significance (1 of 4 stars; one submission).

Conditions:
Nemaline myopathy 10 (NEM10). Identifiers: MedGen C4015360, MONDO:0014513, OMIM 616165.

Allele frequency attached by ClinVar (database versions not stated): gnomAD 0.00001; TOPMed 0.00001.

Submission:

Labcorp Genetics (formerly Invitae), Labcorp
Classification: Uncertain significance for Nemaline myopathy 10. Last evaluated: 2025-10-02. Review status: criteria provided, single submitter. Criteria: Invitae Variant Classification Sherloc (09022015). Collection method: clinical testing. Allele origin: germline.
Comment: This sequence change replaces glutamic acid, which is acidic and polar, with lysine, which is basic and polar, at codon 432 of the LMOD3 protein (p.Glu432Lys). This variant is present in population databases (no rsID available, gnomAD 0.003%). This variant has not been reported in the literature in individuals affected with LMOD3-related conditions. ClinVar contains an entry for this variant (Variation ID: 1398149). An algorithm developed to predict the effect of missense changes on protein structure and function (PolyPhen-2) suggests that this variant is likely to be tolerated. In summary, the available evidence is currently insufficient to determine the role of this variant in disease. Therefore, it has been classified as a Variant of Uncertain Significance.